The following is an entry in ClinVar:

ClinVar aggregate classification (germline): Likely benign (1 of 4 stars; one submission).

gnomAD v4.1: 5,850 of 1,612,958 alleles (0.36%); highest among the groups gnomAD compares: Non-Finnish European, 0.46%; 14 homozygotes.

Submission:

CeGaT Center for Human Genetics Tuebingen
Classification: Likely benign. Last evaluated: 2022-07-01. Review status: criteria provided, single submitter. Criteria: CeGaT Center For Human Genetics Tuebingen Variant Classification Criteria Version 2. Collection method: clinical testing. Allele origin: germline. Affected: yes. Observed: 1 variant allele.
Comment: OR4Q3: BP4, BP7

NM_001405963.1(OR4Q3):c.367T>C (p.Leu123=)

Gene: OR4Q3 (olfactory receptor family 4 subfamily Q member 3; plus strand). Cytogenetic location: 14q11.2.
Variant type: single nucleotide variant.
Coding change: c.367T>C on transcript NM_001405963.1 (MANE Select); coding-DNA position 367, T replaced by C.
Protein change: p.Leu123=; no amino-acid change (leucine 123 retained).
Molecular consequence: synonymous variant.
Genome position (GRCh38, 1-based): chr14:19,747,770, T>C. VCF-style: chr14-19747770-T-C. GRCh37 (hg19) VCF-style: chr14-20215929-T-C.
Other names: c.343T>C, p.Leu115= (NM_172194.1).
Identifiers: ClinVar variation 2644034 (VCV002644034.24), ClinGen allele CA7072690.
Genomic context (GRCh38, chr14:19,747,770, plus strand): 5'-TTTTCAGGATGCCTGGCCCAGATCTACTTCCTCCACTTTCTAGGAGCCAGTGAGATGTTT[T>C]TGCTGACAGTCATGGCCTATGACAGGTATGTTGCCATCTGTAACCCTTTGCGCTACCTTA-3'
Protein context (NP_001392892.1, residues 113-133): LHFLGASEMF[Leu123=]LTVMAYDRYV